The following is an entry in ClinVar:

NM_024598.4(USB1):c.670G>T (p.Gly224Trp)

Gene: USB1 (U6 snRNA biogenesis phosphodiesterase 1; plus strand). Cytogenetic location: 16q21.
Variant type: single nucleotide variant.
Coding change: c.670G>T on transcript NM_024598.4 (MANE Select); coding-DNA position 670, G replaced by T.
Protein change: p.Gly224Trp; replaces glycine 224 with tryptophan.
Molecular consequence: missense variant.
Genome position (GRCh38, 1-based): chr16:58,019,032, G>T. VCF-style: chr16-58019032-G-T. GRCh37 (hg19) VCF-style: chr16-58052936-G-T.
Other names: c.616G>T, p.Gly206Trp (NM_001195302.2); c.517G>T, p.Gly173Trp (NM_001330568.2); short protein forms G173W, G206W, G224W.
Identifiers: ClinVar variation 3466486 (VCV003466486.1).

ClinVar aggregate classification (germline): Uncertain significance (1 of 4 stars; one submission).

Conditions:
Inborn genetic diseases. Identifiers: MedGen C0950123, MeSH D030342.

Submission:

Ambry Genetics
Classification: Uncertain significance for Inborn genetic diseases. Last evaluated: 2024-12-02. Review status: criteria provided, single submitter. Criteria: Ambry Variant Classification Scheme 2023. Collection method: clinical testing. Allele origin: germline.
Comment: The p.G224W variant (also known as c.670G>T), located in coding exon 6 of the USB1 gene, results from a G to T substitution at nucleotide position 670. The glycine at codon 224 is replaced by tryptophan, an amino acid with highly dissimilar properties. This amino acid position is conserved. In addition, this alteration is predicted to be tolerated by in silico analysis. Based on the available evidence, the clinical significance of this variant remains unclear.